The following is an entry in ClinVar:

NM_000240.4(MAOA):c.595A>T (p.Lys199Ter)

Gene: MAOA (monoamine oxidase A; plus strand). Cytogenetic location: Xp11.3.
Variant type: single nucleotide variant.
Coding change: c.595A>T on transcript NM_000240.4 (MANE Select); coding-DNA position 595, A replaced by T.
Protein change: p.Lys199Ter; replaces lysine 199 with a stop codon.
Molecular consequence: nonsense.
Genome position (GRCh38, 1-based): chrX:43,728,264, A>T. VCF-style: chrX-43728264-A-T. GRCh37 (hg19) VCF-style: chrX-43587511-A-T.
Other names: c.196A>T, p.Lys66Ter (NM_001270458.2); short protein forms K199*, K66*.
Identifiers: ClinVar variation 4851447 (VCV004851447.1).

ClinVar aggregate classification (germline): Likely pathogenic (1 of 4 stars; one submission).

Conditions:
Brunner syndrome (BRNRS). Identifiers: Orphanet 3057, MedGen C0796275, MONDO:0010379, OMIM 300615.

Submission:

Institute of Immunology and Genetics Kaiserslautern
Classification: Likely pathogenic for Brunner syndrome. Last evaluated: 2025-12-05. Review status: criteria provided, single submitter. Criteria: ACMG Guidelines, 2015. Collection method: clinical testing. Allele origin: maternal. Affected: yes.
Comment: ACMG Criteria: PVS1, PM2; Variant was found in hemizygous state.